The following is an entry in ClinVar:

NM_016335.6(PRODH):c.616del (p.Ala206fs)

Gene: PRODH (proline dehydrogenase 1; minus strand). Cytogenetic location: 22q11.21.
Variant type: Deletion.
Coding change: c.616del on transcript NM_016335.6 (MANE Select); coding-DNA position 616, one base deleted (G; older notation c.616delG).
Protein change: p.Ala206fs; shifts the reading frame from alanine 206.
Molecular consequence: frameshift variant.
Genome position (GRCh38, 1-based): chr22:18,925,102, C deleted on the plus strand (G on the coding strand, the reverse complement: PRODH is on the minus strand); the first of 2 consecutive C bases (chr22:18,925,102-18,925,103); deleting either gives the same sequence. VCF-style (leftmost placement, unchanged base first): chr22-18925101-GC-G. GRCh37 (hg19) VCF-style: chr22-18912614-GC-G.
Other names: c.292del, p.Ala98fs (NM_001195226.2); short protein forms A206fs, A98fs.
Identifiers: ClinVar variation 1314820 (VCV001314820.4), dbSNP rs1210314134, ClinGen allele CA512944636.

ClinVar aggregate classification (germline): Conflicting classifications of pathogenicity. Review status: criteria provided, conflicting classifications (1 of 4 stars). 2 submissions from 2 submitters: Pathogenic (1); Uncertain significance (1). Last evaluated 2024-04-25.

Conditions:
Proline dehydrogenase deficiency (HYRPRO1). Also called: Hyperprolinemia type 1; PROLINE OXIDASE DEFICIENCY. Identifiers: Orphanet 419, MedGen C0268529, MONDO:0009400, OMIM 239500.

Submissions (2):

Labcorp Genetics (formerly Invitae), Labcorp
Classification: Pathogenic for Proline dehydrogenase deficiency. Last evaluated: 2024-04-25. Review status: criteria provided, single submitter. Criteria: Invitae Variant Classification Sherloc (09022015). Collection method: clinical testing. Allele origin: germline.
Comment: This sequence change creates a premature translational stop signal (p.Ala206Profs*26) in the PRODH gene. It is expected to result in an absent or disrupted protein product. Loss-of-function variants in PRODH are known to be pathogenic (PMID: 12525555, 15662599, 19736351). This variant is present in population databases (no rsID available, gnomAD 0.0009%). This variant has not been reported in the literature in individuals affected with PRODH-related conditions. ClinVar contains an entry for this variant (Variation ID: 1314820). For these reasons, this variant has been classified as Pathogenic.

GeneDx
Classification: Uncertain significance. Last evaluated: 2021-04-09. Review status: criteria provided, single submitter. Criteria: GeneDx Variant Classification Process June 2021. Collection method: clinical testing. Allele origin: germline. Affected: yes.
Comment: Not observed at a significant frequency in large population cohorts (Lek et al., 2016); Frameshift variant predicted to result in protein truncation or nonsense mediated decay in a gene for which loss-of-function is not a known mechanism of disease; Has not been previously published as pathogenic or benign to our knowledge

Literature cited by the submitters: PubMed 12525555 (cited by Labcorp Genetics (formerly Invitae), Labcorp); PubMed 15662599 (cited by Labcorp Genetics (formerly Invitae), Labcorp); PubMed 19736351 (cited by Labcorp Genetics (formerly Invitae), Labcorp).